The following is an entry in ClinVar:

ClinVar aggregate classification (germline): Uncertain significance (1 of 4 stars; one submission).

Conditions:
Kilquist syndrome (KILQS). Also called: SLC12A2-related autosomal recessive neonatal-developmental delay-intellectual disability-feeding difficulty-sensorineural deafness syndrome. Identifiers: Orphanet 633021, MedGen C5436756, MONDO:0033664, OMIM 619080.
Hearing loss, autosomal dominant 78. Also called: DEAFNESS, AUTOSOMAL DOMINANT 78. Identifiers: MedGen C5436768, MONDO:0033665, OMIM 619081.
Delpire-McNeill syndrome. Also called: SLC12A2-related autosomal dominant infantile-developmental delay-intellectual disability-sensorineural deafness syndrome. Identifiers: Orphanet 633024, MedGen C5436771, MONDO:0033667, OMIM 619083.

Submission:

Juno Genomics, Hangzhou Juno Genomics, Inc
Classification: Uncertain significance for Hearing loss, autosomal dominant 78; Delpire-McNeill syndrome; Kilquist syndrome. Review status: criteria provided, single submitter. Criteria: ACMG Guidelines, 2015. Collection method: clinical testing. Allele origin: germline.
Comment: Absent from controls (or at extremely low frequency if recessive) in Genome Aggregation Database.;Multiple lines of computational evidence support a deleterious effect on the gene or gene product.

NM_001046.3(SLC12A2):c.2846A>T (p.Asp949Val)

Gene: SLC12A2 (solute carrier family 12 member 2; plus strand). Cytogenetic location: 5q23.3.
Variant type: single nucleotide variant.
Coding change: c.2846A>T on transcript NM_001046.3 (MANE Select); coding-DNA position 2846, A replaced by T.
Protein change: p.Asp949Val; replaces aspartic acid 949 with valine.
Molecular consequence: missense variant. On other transcripts: non-coding transcript variant (1).
Genome position (GRCh38, 1-based): chr5:128,174,583, A>T. VCF-style: chr5-128174583-A-T. GRCh37 (hg19) VCF-style: chr5-127510275-A-T.
Other names: c.2846A>T, p.Asp949Val (NM_001256461.2); short protein forms D949V.
Identifiers: ClinVar variation 5006829 (VCV005006829.2).